The following is an entry in ClinVar:

NM_018010.4(IFT57):c.123C>G (p.Phe41Leu)

Gene: IFT57 (intraflagellar transport 57; minus strand). Cytogenetic location: 3q13.13.
Variant type: single nucleotide variant.
Coding change: c.123C>G on transcript NM_018010.4 (MANE Select); coding-DNA position 123, C replaced by G.
Protein change: p.Phe41Leu; replaces phenylalanine 41 with leucine.
Molecular consequence: missense variant.
Genome position (GRCh38, 1-based): chr3:108,222,200, G>C on the plus strand (C>G on the coding strand, the complement: IFT57 is on the minus strand). VCF-style: chr3-108222200-G-C. GRCh37 (hg19) VCF-style: chr3-107941047-G-C.
Other names: short protein forms F41L.
Identifiers: ClinVar variation 1973610 (VCV001973610.5), dbSNP rs764130073, ClinGen allele CA2526832.
Genomic context (GRCh38, chr3:108,222,200, plus strand): 5'-GAGGAACTCCTCCTCGTAGCGGAGCAGCTTCAGCTTCTCCACCAAGTCCTCCATCACCAC[G>C]AACATGTGGTAGGCCGCGCCGGGCCCCCGCTCCAAGACCACTTCCCCGGTCCCTTCGCCA-3'
Protein context (NP_060480.1, residues 31-51): ERGPGAAYHM[Phe41Leu]VVMEDLVEKL

ClinVar aggregate classification (germline): Uncertain significance (1 of 4 stars; one submission).

Allele frequency attached by ClinVar (database versions not stated): ExAC 0.00001.
gnomAD v4.1: 4 of 1,614,052 alleles (0.00025%); highest among the groups gnomAD compares: East Asian, 0.0089%; no homozygotes.

Submission:

Labcorp Genetics (formerly Invitae), Labcorp
Classification: Uncertain significance. Last evaluated: 2024-08-15. Review status: criteria provided, single submitter. Criteria: Invitae Variant Classification Sherloc (09022015). Collection method: clinical testing. Allele origin: germline.
Comment: This sequence change replaces phenylalanine, which is neutral and non-polar, with leucine, which is neutral and non-polar, at codon 41 of the IFT57 protein (p.Phe41Leu). This variant is present in population databases (rs764130073, gnomAD 0.03%). This variant has not been reported in the literature in individuals affected with IFT57-related conditions. ClinVar contains an entry for this variant (Variation ID: 1973610). An algorithm developed to predict the effect of missense changes on protein structure and function (PolyPhen-2) suggests that this variant is likely to be disruptive. In summary, the available evidence is currently insufficient to determine the role of this variant in disease. Therefore, it has been classified as a Variant of Uncertain Significance.